The following is an entry in ClinVar:

NM_000179.3(MSH6):c.2265del (p.Gly756fs)

Gene: MSH6 (mutS homolog 6; plus strand). Cytogenetic location: 2p16.3.
Variant type: Deletion.
Coding change: c.2265del on transcript NM_000179.3 (MANE Select); coding-DNA position 2265, one base deleted (A; older notation c.2265delA).
Protein change: p.Gly756fs; shifts the reading frame from glycine 756.
Molecular consequence: frameshift variant.
Genome position (GRCh38, 1-based): chr2:47,800,248, A deleted; the last of 2 consecutive A bases (chr2:47,800,247-47,800,248); deleting either gives the same sequence. VCF-style (leftmost placement, unchanged base first): chr2-47800246-GA-G. GRCh37 (hg19) VCF-style: chr2-48027385-GA-G.
Other names: c.1875del, p.Gly626fs (NM_001281492.2); c.1359del, p.Gly454fs (NM_001281493.2, NM_001281494.2); short protein forms G626fs, G756fs, G454fs.
Identifiers: ClinVar variation 852681 (VCV000852681.8), dbSNP rs1669441162, ClinGen allele CA916079955.

ClinVar aggregate classification (germline): Pathogenic (1 of 4 stars; one submission).

Conditions:
Hereditary nonpolyposis colorectal neoplasms. Identifiers: MedGen C0009405, MeSH D003123.

Submission:

Labcorp Genetics (formerly Invitae), Labcorp
Classification: Pathogenic for Hereditary nonpolyposis colorectal neoplasms. Last evaluated: 2023-10-17. Review status: criteria provided, single submitter. Criteria: Invitae Variant Classification Sherloc (09022015). Collection method: clinical testing. Allele origin: germline.
Comment: This sequence change creates a premature translational stop signal (p.Gly756Glufs*4) in the MSH6 gene. It is expected to result in an absent or disrupted protein product. Loss-of-function variants in MSH6 are known to be pathogenic (PMID: 18269114, 24362816). This variant is not present in population databases (gnomAD no frequency). This variant has not been reported in the literature in individuals affected with MSH6-related conditions. ClinVar contains an entry for this variant (Variation ID: 852681). For these reasons, this variant has been classified as Pathogenic.

Literature cited by the submitters: PubMed 18269114; PubMed 24362816.